The following is an entry in ClinVar:

NM_004360.5(CDH1):c.412G>A (p.Glu138Lys)

Gene: CDH1 (cadherin 1; plus strand). Cytogenetic location: 16q22.1.
Variant type: single nucleotide variant.
Coding change: c.412G>A on transcript NM_004360.5 (MANE Select); coding-DNA position 412, G replaced by A.
Protein change: p.Glu138Lys; replaces glutamic acid 138 with lysine.
Molecular consequence: missense variant. On other transcripts: 5 prime UTR variant (2).
Genome position (GRCh38, 1-based): chr16:68,808,448, G>A. VCF-style: chr16-68808448-G-A. GRCh37 (hg19) VCF-style: chr16-68842351-G-A.
Other names: c.412G>A, p.Glu138Lys (NM_001317184.2); c.-1204G>A (NM_001317185.2); c.-1408G>A (NM_001317186.2); short protein forms E138K.
Identifiers: ClinVar variation 2775028 (VCV002775028.3), dbSNP rs1960725228, ClinGen allele CA396457563.

ClinVar aggregate classification (germline): Uncertain significance. Review status: criteria provided, multiple submitters, no conflicts (2 of 4 stars). 2 submissions from 2 submitters: Uncertain significance (2). Last evaluated 2024-02-14.

Conditions:
Hereditary cancer-predisposing syndrome. Also called: Neoplastic Syndromes, Hereditary; Tumor predisposition; Hereditary Cancer Syndrome; Hereditary neoplastic syndrome. Identifiers: Orphanet 140162, MedGen C0027672, MeSH D009386, MONDO:0015356.

Allele frequency attached by ClinVar (database versions not stated): TOPMed below 0.00001.

Submissions (2):

Ambry Genetics
Classification: Uncertain significance for Hereditary cancer-predisposing syndrome. Last evaluated: 2024-02-14. Review status: criteria provided, single submitter. Criteria: Ambry Variant Classification Scheme 2023. Collection method: clinical testing. Allele origin: germline.
Comment: The p.E138K variant (also known as c.412G>A), located in coding exon 4 of the CDH1 gene, results from a G to A substitution at nucleotide position 412. The glutamic acid at codon 138 is replaced by lysine, an amino acid with similar properties. This amino acid position is well conserved in available vertebrate species. In addition, this alteration is predicted to be tolerated by in silico analysis. Based on the available evidence, the clinical significance of this alteration remains unclear.

Color Diagnostics, LLC DBA Color Health
Classification: Uncertain significance for Hereditary cancer-predisposing syndrome. Last evaluated: 2022-07-12. Review status: criteria provided, single submitter. Criteria: ACMG Guidelines, 2015. Collection method: clinical testing. Allele origin: germline.
Comment: This missense variant replaces glutamic acid with lysine at codon 138 of the CDH1 protein. To our knowledge, functional studies have not been reported for this variant. This variant has not been reported in individuals affected with hereditary cancer in the literature. This variant has not been identified in the general population by the Genome Aggregation Database (gnomAD). The available evidence is insufficient to determine the role of this variant in disease conclusively. Therefore, this variant is classified as a Variant of Uncertain Significance.